The following is an entry in ClinVar:

ClinVar aggregate classification (germline): Likely pathogenic (1 of 4 stars; one submission).

Submission:

Labcorp Genetics (formerly Invitae), Labcorp
Classification: Likely pathogenic. Last evaluated: 2023-06-16. Review status: criteria provided, single submitter. Criteria: Invitae Variant Classification Sherloc (09022015). Collection method: clinical testing. Allele origin: unknown.
Comment: In summary, the currently available evidence indicates that the variant is pathogenic, but additional data are needed to prove that conclusively. Therefore, this variant has been classified as Likely Pathogenic. This variant has not been reported in the literature in individuals affected with TTLL5-related conditions. This variant results in a copy number gain of the genomic region encompassing exon(s) 28 of the TTLL5 gene. While the exact position of this variant cannot be determined from the data, sub-genic copy number gains are generally in tandem (PMID: 25640679). This variant is predicted to be out-of-frame, and may result in an absent or disrupted protein product. Loss-of-function variants in TTLL5 are known to be pathogenic (PMID: 24791901, 27162334).

Literature cited by the submitters: PubMed 25640679; PubMed 24791901; PubMed 27162334.

NC_000014.8:g.(?_76286330)_(76286524_?)dup

Gene: TTLL5 (tubulin tyrosine ligase like 5; plus strand). Cytogenetic location: 14q24.3.
Variant type: Duplication.
Identifiers: ClinVar variation 3244096 (VCV003244096.1).